The following is an entry in ClinVar:

NM_014296.3(CAPN7):c.2073+1G>T

Gene: CAPN7 (calpain 7; plus strand). Cytogenetic location: 3p25.1.
Variant type: single nucleotide variant.
Coding change: c.2073+1G>T on transcript NM_014296.3 (MANE Select); the canonical splice donor site of the intron after coding-DNA position 2073, G replaced by T.
Molecular consequence: splice donor variant. On other transcripts: intron variant (1).
Genome position (GRCh38, 1-based): chr3:15,246,795, G>T. VCF-style: chr3-15246795-G-T. GRCh37 (hg19) VCF-style: chr3-15288302-G-T.
Other names: c.1941+1G>T (NM_001376086.1); c.1659+1G>T (NM_001376091.1); c.1791+1G>T (NM_001376089.1); c.1729-532G>T (NM_001376090.1); c.1872+1G>T (NM_001376087.1); c.1518+1G>T (NM_001376093.1).
Identifiers: ClinVar variation 2653595 (VCV002653595.24), dbSNP rs2470177792, ClinGen allele CA351587995.

ClinVar aggregate classification (germline): Uncertain significance (1 of 4 stars; one submission).

Submission:

CeGaT Center for Human Genetics Tuebingen
Classification: Uncertain significance. Last evaluated: 2022-10-01. Review status: criteria provided, single submitter. Criteria: CeGaT Center For Human Genetics Tuebingen Variant Classification Criteria Version 2. Collection method: clinical testing. Allele origin: germline. Affected: yes. Observed: 1 variant allele.
Comment: CAPN7: PM2, PP3